The following is an entry in ClinVar:

ClinVar aggregate classification (germline): Benign/Likely benign. Review status: criteria provided, multiple submitters, no conflicts (2 of 4 stars). 3 submissions from 3 submitters: Benign (1); Likely benign (2). Last evaluated 2025-05-20.

Conditions:
Hereditary cancer-predisposing syndrome. Also called: Hereditary neoplastic syndrome; Neoplastic Syndromes, Hereditary; Tumor predisposition; Hereditary Cancer Syndrome. Identifiers: Orphanet 140162, MedGen C0027672, MeSH D009386, MONDO:0015356.
Tuberous sclerosis 2 (TSC2). Identifiers: Orphanet 805, MedGen C1860707, MONDO:0013199, OMIM 613254.

Submissions (3):

Myriad Genetics, Inc.
Classification: Benign for Tuberous sclerosis 2. Last evaluated: 2025-05-20. Review status: criteria provided, single submitter. Criteria: Myriad Autosomal Dominant, Autosomal Recessive and X-Linked Classification Criteria (2023). Collection method: clinical testing. Allele origin: unknown.
Comment: This variant is considered benign. This variant is a silent/synonymous amino acid change and it is not expected to impact splicing.

Labcorp Genetics (formerly Invitae), Labcorp
Classification: Likely benign for Tuberous sclerosis 2. Last evaluated: 2023-06-29. Review status: criteria provided, single submitter. Criteria: Invitae Variant Classification Sherloc (09022015). Collection method: clinical testing. Allele origin: germline.

Ambry Genetics
Classification: Likely benign for Hereditary cancer-predisposing syndrome. Last evaluated: 2021-06-30. Review status: criteria provided, single submitter. Criteria: Ambry Variant Classification Scheme 2023. Collection method: clinical testing. Allele origin: germline.

NM_000548.5(TSC2):c.2358C>A (p.Arg786=)

Gene: TSC2 (TSC complex subunit 2; plus strand). Cytogenetic location: 16p13.3.
Variant type: single nucleotide variant.
Coding change: c.2358C>A on transcript NM_000548.5 (MANE Select); coding-DNA position 2358, C replaced by A.
Protein change: p.Arg786=; no amino-acid change (arginine 786 retained).
Molecular consequence: synonymous variant.
Genome position (GRCh38, 1-based): chr16:2,074,202, C>A. VCF-style: chr16-2074202-C-A. GRCh37 (hg19) VCF-style: chr16-2124203-C-A.
Other names: c.2358C>A, p.Arg786= (NM_001077183.3, NM_001114382.3, NM_001363528.2 and 3 more transcripts); c.2247C>A, p.Arg749= (NM_001318827.2); c.2211C>A, p.Arg737= (NM_001318829.2); c.1758C>A, p.Arg586= (NM_001318831.2); c.2391C>A, p.Arg797= (NM_001318832.2).
Identifiers: ClinVar variation 467938 (VCV000467938.12), dbSNP rs372834284, ClinGen allele CA492953026.